The following is an entry in ClinVar:

NM_000038.6(APC):c.8432A>G (p.Asn2811Ser)

Gene: APC (APC regulator of Wnt signaling pathway; plus strand). Cytogenetic location: 5q22.2.
Variant type: single nucleotide variant.
Coding change: c.8432A>G on transcript NM_000038.6 (MANE Select); coding-DNA position 8432, A replaced by G.
Protein change: p.Asn2811Ser; replaces asparagine 2811 with serine.
Molecular consequence: missense variant.
Genome position (GRCh38, 1-based): chr5:112,844,026, A>G. VCF-style: chr5-112844026-A-G. GRCh37 (hg19) VCF-style: chr5-112179723-A-G.
Other names: c.8432A>G (NM_000038.5); c.8432A>G, p.Asn2811Ser (NM_001127510.3, NM_001354895.2); c.8378A>G, p.Asn2793Ser (NM_001127511.3); c.8486A>G, p.Asn2829Ser (NM_001354896.2); c.8462A>G, p.Asn2821Ser (NM_001354897.2); c.8357A>G, p.Asn2786Ser (NM_001354898.2); c.8348A>G, p.Asn2783Ser (NM_001354899.2); c.8309A>G, p.Asn2770Ser (NM_001354900.2); and 6 more; short protein forms N2829S, N2651S, N2770S, N2783S, N2786S, N2811S, N2821S, N2710S.
Identifiers: ClinVar variation 1491735 (VCV001491735.8), dbSNP rs2150005253, ClinGen allele CA16039625.

ClinVar aggregate classification (germline): Uncertain significance. Review status: criteria provided, multiple submitters, no conflicts (2 of 4 stars). 2 submissions from 2 submitters: Uncertain significance (2). Last evaluated 2025-10-14.

Conditions:
Familial adenomatous polyposis 1 (FAP1). Also called: FAMILIAL ADENOMATOUS POLYPOSIS 1, ATTENUATED; POLYPOSIS, ADENOMATOUS INTESTINAL. Identifiers: MedGen C2713442, MONDO:0021056, OMIM 175100. Disease mechanism: loss of function.
Hereditary cancer-predisposing syndrome. Also called: Tumor predisposition; Hereditary neoplastic syndrome; Neoplastic Syndromes, Hereditary; Hereditary Cancer Syndrome. Identifiers: Orphanet 140162, MedGen C0027672, MeSH D009386, MONDO:0015356.

Submissions (2):

Ambry Genetics
Classification: Uncertain significance for Hereditary cancer-predisposing syndrome. Last evaluated: 2025-10-14. Review status: criteria provided, single submitter. Criteria: Ambry Variant Classification Scheme 2023. Collection method: clinical testing. Allele origin: germline.
Comment: The p.N2811S variant (also known as c.8432A>G), located in coding exon 15 of the APC gene, results from an A to G substitution at nucleotide position 8432. The asparagine at codon 2811 is replaced by serine, an amino acid with highly similar properties. This amino acid position is not well conserved in available vertebrate species. In addition, in silico predictors for this gene do not accurately predict pathogenicity. Since supporting evidence is limited at this time, the clinical significance of this alteration remains unclear.

Labcorp Genetics (formerly Invitae), Labcorp
Classification: Uncertain significance for Familial adenomatous polyposis 1. Last evaluated: 2022-09-27. Review status: criteria provided, single submitter. Criteria: Invitae Variant Classification Sherloc (09022015). Collection method: clinical testing. Allele origin: germline.
Comment: This sequence change replaces asparagine, which is neutral and polar, with serine, which is neutral and polar, at codon 2811 of the APC protein (p.Asn2811Ser). This variant is not present in population databases (gnomAD no frequency). This variant has not been reported in the literature in individuals affected with APC-related conditions. ClinVar contains an entry for this variant (Variation ID: 1491735). Advanced modeling of protein sequence and biophysical properties (such as structural, functional, and spatial information, amino acid conservation, physicochemical variation, residue mobility, and thermodynamic stability) performed at Invitae indicates that this missense variant is not expected to disrupt APC protein function. In summary, the available evidence is currently insufficient to determine the role of this variant in disease. Therefore, it has been classified as a Variant of Uncertain Significance.